The following is an entry in ClinVar:

NM_001384732.1(CPLANE1):c.9610G>T (p.Glu3204Ter)

Gene: CPLANE1 (ciliogenesis and planar polarity effector complex subunit 1; minus strand). Cytogenetic location: 5p13.2.
Variant type: single nucleotide variant.
Coding change: c.9610G>T on transcript NM_001384732.1 (MANE Select); coding-DNA position 9610, G replaced by T.
Protein change: p.Glu3204Ter; replaces glutamic acid 3204 with a stop codon.
Molecular consequence: nonsense.
Genome position (GRCh38, 1-based): chr5:37,107,748, C>A on the plus strand (G>T on the coding strand, the complement: CPLANE1 is on the minus strand). VCF-style: chr5-37107748-C-A. GRCh37 (hg19) VCF-style: chr5-37107850-C-A.
Other names: c.9448G>T, p.Glu3150Ter (NM_023073.4); c.9448G>T (NM_023073.3); short protein forms E3150*, E3204*.
Identifiers: ClinVar variation 2049606 (VCV002049606.2), dbSNP rs1317390469, ClinGen allele CA359488980.

ClinVar aggregate classification (germline): Uncertain significance. Review status: criteria provided, multiple submitters, no conflicts (2 of 4 stars). 2 submissions from 2 submitters: Uncertain significance (2). Last evaluated 2023-04-06.

Allele frequency attached by ClinVar (database versions not stated): gnomAD exomes below 0.00001; TOPMed 0.00001.
gnomAD v4.1: 2 of 1,611,196 alleles (0.00012%); highest among the groups gnomAD compares: Admixed American, 0.0034%; no homozygotes.

Submissions (2):

Women's Health and Genetics/Laboratory Corporation of America, LabCorp
Classification: Uncertain significance. Last evaluated: 2023-04-06. Review status: criteria provided, single submitter. Criteria: LabCorp Variant Classification Summary - May 2015. Collection method: clinical testing. Allele origin: germline.
Comment: Variant summary: CPLANE1 c.9448G>T (p.Glu3150X) results in a premature termination codon, predicted to cause a truncation of the encoded protein. To our knowledge, truncations downstream of this position have not been reported in affected individuals and have not been cited as pathogenic in online databases (HGMD, ClinVar). The variant allele was found at a frequency of 8.2e-06 in 244076 control chromosomes (gnomAD). The available data on variant occurrences in the general population are insufficient to allow any conclusion about variant significance. To our knowledge, no occurrence of c.9448G>T in individuals affected with Joubert Syndrome And Related Disorders and no experimental evidence demonstrating its impact on protein function have been reported. One clinical diagnostic laboratory has submitted clinical-significance assessments for this variant to ClinVar after 2014 and classified the variant as uncertain significance. Based on the evidence outlined above, the variant was classified as uncertain significance.

Labcorp Genetics (formerly Invitae), Labcorp
Classification: Uncertain significance. Last evaluated: 2022-02-25. Review status: criteria provided, single submitter. Criteria: Invitae Variant Classification Sherloc (09022015). Collection method: clinical testing. Allele origin: germline.
Comment: This sequence change creates a premature translational stop signal (p.Glu3150*) in the CPLANE1 gene. While this is not anticipated to result in nonsense mediated decay, it is expected to disrupt the last 48 amino acid(s) of the CPLANE1 protein. This variant is present in population databases (no rsID available, gnomAD 0.006%). This variant has not been reported in the literature in individuals affected with CPLANE1-related conditions. In summary, the available evidence is currently insufficient to determine the role of this variant in disease. Therefore, it has been classified as a Variant of Uncertain Significance.